The following is an entry in ClinVar:

ClinVar aggregate classification (germline): Uncertain significance. Review status: criteria provided, multiple submitters, no conflicts (2 of 4 stars). 3 submissions from 3 submitters: Uncertain significance (3). Last evaluated 2025-03-23.

Conditions:
Mosaic variegated aneuploidy syndrome 1 (MVA1). Also called: Warburton-Anyane-Yeboa syndrome. Identifiers: Orphanet 1052, MedGen C1850343, MONDO:0009759, OMIM 257300.
Premature chromatid separation trait (PCS). Also called: TOTAL PREMATURE CHROMATID SEPARATION TRAIT. Identifiers: MedGen C1864389, MONDO:0008304, OMIM 176430.
Colorectal cancer. Also called: Colorectal cancer, somatic; Malignant Colorectal Neoplasm. Identifiers: MedGen C0346629, MONDO:0005575, OMIM 114500.
Inborn genetic diseases. Identifiers: MedGen C0950123, MeSH D030342.

Allele frequency attached by ClinVar (database versions not stated): gnomAD exomes below 0.00001; TOPMed below 0.00001; ExAC 0.00001; gnomAD 0.00001.
gnomAD v4.1: 13 of 1,613,874 alleles (0.00081%); highest among the groups gnomAD compares: Non-Finnish European, 0.0011%; no homozygotes.

Submissions (3):

Labcorp Genetics (formerly Invitae), Labcorp
Classification: Uncertain significance for Mosaic variegated aneuploidy syndrome 1. Last evaluated: 2025-03-23. Review status: criteria provided, single submitter. Criteria: Invitae Variant Classification Sherloc (09022015). Collection method: clinical testing. Allele origin: germline.
Comment: This sequence change replaces arginine, which is basic and polar, with glutamine, which is neutral and polar, at codon 199 of the BUB1B protein (p.Arg199Gln). This variant is present in population databases (rs779260067, gnomAD 0.0009%). This variant has not been reported in the literature in individuals affected with BUB1B-related conditions. ClinVar contains an entry for this variant (Variation ID: 1474824). An algorithm developed to predict the effect of missense changes on protein structure and function (PolyPhen-2) suggests that this variant is likely to be disruptive. In summary, the available evidence is currently insufficient to determine the role of this variant in disease. Therefore, it has been classified as a Variant of Uncertain Significance.

Ambry Genetics
Classification: Uncertain significance for Inborn genetic diseases. Last evaluated: 2024-05-19. Review status: criteria provided, single submitter. Criteria: Ambry Variant Classification Scheme 2023. Collection method: clinical testing. Allele origin: germline.
Comment: The p.R199Q variant (also known as c.596G>A), located in coding exon 6 of the BUB1B gene, results from a G to A substitution at nucleotide position 596. The arginine at codon 199 is replaced by glutamine, an amino acid with highly similar properties. This amino acid position is conserved. In addition, the in silico prediction for this alteration is inconclusive. Since supporting evidence is limited at this time, the clinical significance of this alteration remains unclear.

Fulgent Genetics
Classification: Uncertain significance for Colorectal cancer; Premature chromatid separation trait; Mosaic variegated aneuploidy syndrome 1. Last evaluated: 2024-04-13. Review status: criteria provided, single submitter. Criteria: ACMG Guidelines, 2015. Collection method: clinical testing. Allele origin: germline.

NM_001211.6(BUB1B):c.596G>A (p.Arg199Gln)

Gene: BUB1B (BUB1 mitotic checkpoint serine/threonine kinase B; plus strand). Cytogenetic location: 15q15.1.
Variant type: single nucleotide variant.
Coding change: c.596G>A on transcript NM_001211.6 (MANE Select); coding-DNA position 596, G replaced by A.
Protein change: p.Arg199Gln; replaces arginine 199 with glutamine.
Molecular consequence: missense variant.
Genome position (GRCh38, 1-based): chr15:40,183,728, G>A. VCF-style: chr15-40183728-G-A. GRCh37 (hg19) VCF-style: chr15-40475929-G-A.
Other names: short protein forms R199Q.
Identifiers: ClinVar variation 1474824 (VCV001474824.12), dbSNP rs779260067, ClinGen allele CA7475521.
Genomic context (GRCh38, chr15:40,183,728, plus strand): 5'-AAAATAGTGGTCACCTCACTAAAAGTTGTGCATTCTGCTACTTTAGACAATTCCAAGCTC[G>A]AGTGTCTCGGCAAACTCTGTTGGCACTTGAGAAAGAAGAAGAGGAGGAAGTTTTTGAGTC-3'
Protein context (NP_001202.5, residues 189-209): LQSQHRQFQA[Arg199Gln]VSRQTLLALE